The following is an entry in ClinVar:

ClinVar aggregate classification (germline): Uncertain significance (1 of 4 stars; one submission).

gnomAD v4.1: 2 of 1,208,709 alleles (0.00017%); highest among the groups gnomAD compares: Non-Finnish European, 0.00022%; no homozygotes.

Submission:

Labcorp Genetics (formerly Invitae), Labcorp
Classification: Uncertain significance. Last evaluated: 2026-01-11. Review status: criteria provided, single submitter. Criteria: Invitae Variant Classification Sherloc (09022015). Collection method: clinical testing. Allele origin: germline.
Comment: This sequence change replaces valine, which is neutral and non-polar, with isoleucine, which is neutral and non-polar, at codon 504 of the NEXMIF protein (p.Val504Ile). This variant is not present in population databases (gnomAD no frequency). This variant has not been reported in the literature in individuals affected with NEXMIF-related conditions. An algorithm developed to predict the effect of missense changes on protein structure and function outputs the following: PolyPhen-2: "Benign". The isoleucine amino acid residue is found in multiple mammalian species, which suggests that this missense change does not adversely affect protein function. In summary, the available evidence is currently insufficient to determine the role of this variant in disease. Therefore, it has been classified as a Variant of Uncertain Significance.

NM_001008537.3(NEXMIF):c.1510G>A (p.Val504Ile)

Gene: NEXMIF (neurite extension and migration factor; minus strand). Cytogenetic location: Xq13.3.
Variant type: single nucleotide variant.
Coding change: c.1510G>A on transcript NM_001008537.3 (MANE Select); coding-DNA position 1510, G replaced by A.
Protein change: p.Val504Ile; replaces valine 504 with isoleucine.
Molecular consequence: missense variant.
Genome position (GRCh38, 1-based): chrX:74,743,047, C>T on the plus strand (G>A on the coding strand, the complement: NEXMIF is on the minus strand). VCF-style: chrX-74743047-C-T. GRCh37 (hg19) VCF-style: chrX-73962882-C-T.
Other names: short protein forms V504I.
Identifiers: ClinVar variation 4748789 (VCV004748789.1).